The following is an entry in ClinVar:

ClinVar aggregate classification (germline): Pathogenic/Likely pathogenic. Review status: criteria provided, multiple submitters, no conflicts (2 of 4 stars). 3 submissions from 3 submitters: Pathogenic (2); Likely pathogenic (1). Last evaluated 2025-08-05.

Conditions:
Plasma factor XI deficiency.
Hereditary factor XI deficiency disease. Also called: Congenital factor XI deficiency; PLASMA THROMBOPLASTIN ANTECEDENT DEFICIENCY; PTA DEFICIENCY; ROSENTHAL SYNDROME. Identifiers: Orphanet 329, MedGen C0015523, MeSH D005173, MONDO:0012897, OMIM 612416.

Submissions (3):

Natera, Inc.
Classification: Likely pathogenic for Plasma factor XI deficiency. Last evaluated: 2025-08-05. Review status: criteria provided, single submitter. Criteria: Natera Variant Classification Schema (03/2026). Collection method: clinical testing. Allele origin: germline.
Comment: The c.1449del variant in F11 is a frameshift variant predicted to shift the reading frame beginning at codon 483 and leads to a stop codon 2 codons downstream. This variant is expected to result in nonsense mediated decay, truncation, or a dysfunctional protein product. This variant is rare in the general population with a frequency below the threshold expected for the associated phenotype(s). Given the available evidence, this variant is classified as Likely Pathogenic.

Myriad Genetics, Inc.
Classification: Pathogenic for Hereditary factor XI deficiency disease. Last evaluated: 2024-05-14. Review status: criteria provided, single submitter. Criteria: Myriad Autosomal Dominant, Autosomal Recessive and X-Linked Classification Criteria (2023). Collection method: clinical testing. Allele origin: unknown.
Comment: NM_000128.3(F11):c.1449delG(L483Ffs*2) is expected to be pathogenic in the context of factor XI deficiency. This variant is predicted to lead to an abnormal or absent protein product due to the creation of a premature termination codon in F11, a gene where loss-of-function variants are known to be pathogenic. Please note: this variant was assessed in the context of healthy population screening.

Labcorp Genetics (formerly Invitae), Labcorp
Classification: Pathogenic. Last evaluated: 2019-03-28. Review status: criteria provided, single submitter. Criteria: Invitae Variant Classification Sherloc (09022015). Collection method: clinical testing. Allele origin: germline.
Comment: For these reasons, this variant has been classified as Pathogenic. Loss-of-function variants in F11 are known to be pathogenic (PMID: 23929304). This variant has not been reported in the literature in individuals with F11-related conditions. This variant is not present in population databases (ExAC no frequency). This sequence change creates a premature translational stop signal (p.Leu483Phefs*2) in the F11 gene. It is expected to result in an absent or disrupted protein product.

Literature cited by the submitters: PubMed 23929304 (cited by Labcorp Genetics (formerly Invitae), Labcorp).

NM_000128.4(F11):c.1449del (p.Leu483fs)

Gene: F11 (coagulation factor XI; plus strand). Cytogenetic location: 4q35.2.
Variant type: Deletion.
Coding change: c.1449del on transcript NM_000128.4 (MANE Select); coding-DNA position 1449, one base deleted (G; older notation c.1449delG).
Protein change: p.Leu483fs; shifts the reading frame from leucine 483.
Molecular consequence: frameshift variant.
Genome position (GRCh38, 1-based): chr4:186,285,782, G deleted. VCF-style (leftmost placement, unchanged base first): chr4-186285781-TG-T. GRCh37 (hg19) VCF-style: chr4-187206935-TG-T.
Other names: short protein forms L483fs.
Identifiers: ClinVar variation 838891 (VCV000838891.9), dbSNP rs1741165195, ClinGen allele CA916081460.